The following is an entry in ClinVar:

NM_052989.3(IFT122):c.3536G>A (p.Arg1179Gln)

Gene: IFT122 (intraflagellar transport 122; plus strand). Cytogenetic location: 3q22.1.
Variant type: single nucleotide variant.
Coding change: c.3536G>A on transcript NM_052989.3 (MANE Select); coding-DNA position 3536, G replaced by A.
Protein change: p.Arg1179Gln; replaces arginine 1179 with glutamine.
Molecular consequence: missense variant.
Genome position (GRCh38, 1-based): chr3:129,519,632, G>A. VCF-style: chr3-129519632-G-A. GRCh37 (hg19) VCF-style: chr3-129238475-G-A.
Other names: c.3515G>A, p.Arg1172Gln (NM_001280541.2); c.3086G>A, p.Arg1029Gln (NM_001280545.2); c.2909G>A, p.Arg970Gln (NM_001280546.2); c.3359G>A, p.Arg1120Gln (NM_018262.4); c.3689G>A, p.Arg1230Gln (NM_052985.4); c.3206G>A, p.Arg1069Gln (NM_052990.3); short protein forms R1029Q, R1120Q, R1069Q, R1172Q, R1179Q, R1230Q, R970Q.
Identifiers: ClinVar variation 1506482 (VCV001506482.4), dbSNP rs766429633, ClinGen allele CA2606963.

ClinVar aggregate classification (germline): Uncertain significance (1 of 4 stars; one submission).

Conditions:
Cranioectodermal dysplasia 1 (CED1). Also called: LEVIN SYNDROME I. Identifiers: Orphanet 1515, MedGen C0432235, MONDO:0021093, OMIM 218330.

Allele frequency attached by ClinVar (database versions not stated): TOPMed below 0.00001.
gnomAD v4.1: 5 of 1,613,604 alleles (0.00031%); highest among the groups gnomAD compares: Admixed American, 0.0033%; no homozygotes.

Submission:

Labcorp Genetics (formerly Invitae), Labcorp
Classification: Uncertain significance for Cranioectodermal dysplasia 1. Last evaluated: 2022-06-28. Review status: criteria provided, single submitter. Criteria: Invitae Variant Classification Sherloc (09022015). Collection method: clinical testing. Allele origin: germline.
Comment: In summary, the available evidence is currently insufficient to determine the role of this variant in disease. Therefore, it has been classified as a Variant of Uncertain Significance. Algorithms developed to predict the effect of missense changes on protein structure and function are either unavailable or do not agree on the potential impact of this missense change (SIFT: "Tolerated"; PolyPhen-2: "Possibly Damaging"; Align-GVGD: "Class C0"). This variant has not been reported in the literature in individuals affected with IFT122-related conditions. This variant is present in population databases (rs766429633, gnomAD 0.006%). This sequence change replaces arginine, which is basic and polar, with glutamine, which is neutral and polar, at codon 1230 of the IFT122 protein (p.Arg1230Gln).